The following is an entry in ClinVar:

NM_006086.4(TUBB3):c.21C>G (p.Ile7Met)

Genes: TUBB3 (tubulin beta 3 class III; plus strand), LOC130059847 (ATAC-STARR-seq lymphoblastoid silent region 7932; plus strand). Cytogenetic location: 16q24.3.
Variant type: single nucleotide variant.
Coding change: c.21C>G on transcript NM_006086.4 (MANE Select); coding-DNA position 21, C replaced by G.
Protein change: p.Ile7Met; replaces isoleucine 7 with methionine.
Molecular consequence: missense variant. On other transcripts: intron variant (1).
Genome position (GRCh38, 1-based): chr16:89,923,422, C>G. VCF-style: chr16-89923422-C-G. GRCh37 (hg19) VCF-style: chr16-89989830-C-G.
Other names: c.-160+1177C>G (NM_001197181.2); short protein forms I7M.
Identifiers: ClinVar variation 4689944 (VCV004689944.1).

ClinVar aggregate classification (germline): Uncertain significance (1 of 4 stars; one submission).

Submission:

GeneDx
Classification: Uncertain significance. Last evaluated: 2025-07-30. Review status: criteria provided, single submitter. Criteria: GeneDx Variant Classification Process June 2021. Collection method: clinical testing. Allele origin: germline. Affected: yes.
Comment: Not observed at significant frequency in large population cohorts (gnomAD); Missense variants in this gene are a common cause of disease and they are underrepresented in the general population; In silico analysis suggests that this missense variant does not alter protein structure/function; Has not been previously published as pathogenic or benign to our knowledge; This variant is associated with the following publications: (PMID: 20829227)